The following is an entry in ClinVar:

ClinVar aggregate classification (germline): Conflicting classifications of pathogenicity. Review status: criteria provided, conflicting classifications (1 of 4 stars). 3 submissions from 3 submitters: Uncertain significance (1); Likely benign (1). 1 of the submissions does not count toward it. Last evaluated 2025-09-28.

Conditions:
Encephalopathy, acute, infection-induced (herpes-specific), susceptibility to, 1. Also called: Herpes simplex encephalitis, susceptibility to, 1. Identifiers: Orphanet 1930, MedGen C2750180, MONDO:0024563, OMIM 610551.

Allele frequency attached by ClinVar (database versions not stated): gnomAD exomes 0.00006 and 0.00014; TOPMed 0.00004; ExAC 0.00007; gnomAD 0.00005.
gnomAD v4.1: 105 of 1,614,022 alleles (0.0065%); highest among the groups gnomAD compares: Admixed American, 0.0033%; no homozygotes.

Submissions (3):

Labcorp Genetics (formerly Invitae), Labcorp
Classification: Likely benign for Encephalopathy, acute, infection-induced (herpes-specific), susceptibility to, 1. Last evaluated: 2025-09-28. Review status: criteria provided, single submitter. Criteria: Invitae Variant Classification Sherloc (09022015). Collection method: clinical testing. Allele origin: germline.

Blueprint Genetics
Classification: Uncertain significance. Last evaluated: 2024-10-02. Review status: criteria provided, single submitter. Criteria: ACMG Guidelines, 2015. Collection method: clinical testing. Allele origin: germline.

Department of Pathology and Laboratory Medicine, Sinai Health System
Classification: Uncertain significance. Review status: no assertion criteria provided. Collection method: clinical testing. Allele origin: unknown. Affected: yes. Study: The Canadian Open Genetics Repository (COGR). Not counted in ClinVar's aggregate classification.
Comment: The TLR3 p.Leu529Phe variant was not identified in the literature nor was it identified in ClinVar or LOVD 3.0. The variant was identified in dbSNP (ID: rs201222071) and in control databases in 36 of 282880 chromosomes at a frequency of 0.0001273 (Genome Aggregation Database March 6, 2019, v2.1.1). The variant was observed in the following populations: Ashkenazi Jewish in 29 of 10370 chromosomes (freq: 0.002797), Other in 2 of 7228 chromosomes (freq: 0.000277), Latino in 2 of 35440 chromosomes (freq: 0.000056), South Asian in 1 of 30616 chromosomes (freq: 0.000033) and European (non-Finnish) in 2 of 129178 chromosomes (freq: 0.000015), but was not observed in the African, East Asian, or European (Finnish) populations. The p.Leu529 residue is conserved in mammals and computational analyses (PolyPhen-2, SIFT, AlignGVGD, BLOSUM, MutationTaster) provide inconsistent predictions regarding the impact to the protein; this information is not very predictive of pathogenicity. The variant occurs outside of the splicing consensus sequence and in silico or computational prediction software programs (SpliceSiteFinder, MaxEntScan, NNSPLICE, GeneSplicer) do not predict a difference in splicing. In summary, based on the above information the clinical significance of this variant cannot be determined with certainty at this time. This variant is classified as a variant of uncertain significance.

NM_003265.3(TLR3):c.1585C>T (p.Leu529Phe)

Gene: TLR3 (toll like receptor 3; plus strand). Cytogenetic location: 4q35.1.
Variant type: single nucleotide variant.
Coding change: c.1585C>T on transcript NM_003265.3 (MANE Select); coding-DNA position 1585, C replaced by T.
Protein change: p.Leu529Phe; replaces leucine 529 with phenylalanine.
Molecular consequence: missense variant.
Genome position (GRCh38, 1-based): chr4:186,083,271, C>T. VCF-style: chr4-186083271-C-T. GRCh37 (hg19) VCF-style: chr4-187004425-C-T.
Other names: short protein forms L529F.
Identifiers: ClinVar variation 747532 (VCV000747532.13), dbSNP rs201222071, ClinGen allele CA3161438.
Genomic context (GRCh38, chr4:186,083,271, plus strand): 5'-ACCATTCTGGATCTAAGCAACAACAACATAGCCAACATAAATGATGACATGTTGGAGGGT[C>T]TTGAGAAACTAGAAATTCTCGATTTGCAGCATAACAACTTAGCACGGCTCTGGAAACACG-3'
Protein context (NP_003256.1, residues 519-539): ANINDDMLEG[Leu529Phe]EKLEILDLQH